The following is an entry in ClinVar:

NM_000138.5(FBN1):c.7480C>T (p.His2494Tyr)

Gene: FBN1 (fibrillin 1; minus strand). Cytogenetic location: 15q21.1.
Variant type: single nucleotide variant.
Coding change: c.7480C>T on transcript NM_000138.5 (MANE Select); coding-DNA position 7480, C replaced by T.
Protein change: p.His2494Tyr; replaces histidine 2494 with tyrosine.
Molecular consequence: missense variant.
Genome position (GRCh38, 1-based): chr15:48,422,042, G>A on the plus strand (C>T on the coding strand, the complement: FBN1 is on the minus strand). VCF-style: chr15-48422042-G-A. GRCh37 (hg19) VCF-style: chr15-48714239-G-A.
Other names: c.7480C>T, p.His2494Tyr (NM_001406716.1); short protein forms H2494Y.
Identifiers: ClinVar variation 3070506 (VCV003070506.1), dbSNP rs2505399823, ClinGen allele CA392326092.
Genomic context (GRCh38, chr15:48,422,042, plus strand): 5'-CGGGAGGACATTTGCATGTGAAGCCGCCAATGGTGTTAACACATAGGAACTGGCAGTTGT[G>A]TTGCTTGGTTGCACACTCATCAAGATCTACAAGAAAATGCAAGAGAGGCATTTGAGTCAA-3'
Protein context (NP_000129.3, residues 2484-2504): KDLDECATKQ[His2494Tyr]NCQFLCVNTI

ClinVar aggregate classification (germline): Uncertain significance (1 of 4 stars; one submission).

Conditions:
Marfan syndrome (MFS). Also called: MARFAN SYNDROME, TYPE I; Marfan syndrome type 1; Marfan's syndrome; Marfan syndrome, classic; FBN1-Related Marfan Syndrome. Identifiers: Orphanet 284963, Orphanet 558, MedGen C0024796, MONDO:0007947, OMIM 154700.

Submission:

All of Us Research Program, National Institutes of Health
Classification: Uncertain significance for Marfan syndrome. Last evaluated: 2023-04-27. Review status: criteria provided, single submitter. Criteria: ACMG Guidelines, 2015. Collection method: clinical testing. Allele origin: germline. Inheritance: Autosomal dominant inheritance. Observed: 1 variant allele, 1 heterozygote.
Comment: This study involves interpretation of variants in research participants for the purpose of population health screening. Participant phenotype was not available at the time of variant classification. Additional details can be found in publication PMID: 35346344, PMCID: PMC8962531